The following is an entry in ClinVar:

ClinVar aggregate classification (germline): Likely benign. Review status: criteria provided, multiple submitters, no conflicts (2 of 4 stars). 4 submissions from 4 submitters: Likely benign (4). Last evaluated 2025-03-31.

Allele frequency attached by ClinVar (database versions not stated): gnomAD exomes 0.00018; TOPMed 0.00018; ExAC 0.00021; gnomAD 0.00031; ESP Exome Variant Server 0.00046.
gnomAD v4.1: 304 of 1,613,918 alleles (0.019%); highest among the groups gnomAD compares: Non-Finnish European, 0.025%; no homozygotes.

Submissions (4):

ARUP Laboratories, Molecular Genetics and Genomics, ARUP Laboratories
Classification: Likely benign. Last evaluated: 2025-03-31. Review status: criteria provided, single submitter. Criteria: ARUP Molecular Germline Variant Investigation Process 2024. Collection method: clinical testing. Allele origin: germline.

Blueprint Genetics
Classification: Likely benign. Last evaluated: 2024-11-14. Review status: criteria provided, single submitter. Criteria: ACMG Guidelines, 2015. Collection method: clinical testing. Allele origin: germline.

Women's Health and Genetics/Laboratory Corporation of America, LabCorp
Classification: Likely benign. Last evaluated: 2024-10-01. Review status: criteria provided, single submitter. Criteria: LabCorp Variant Classification Summary - May 2015. Collection method: clinical testing. Allele origin: germline.

CeGaT Center for Human Genetics Tuebingen
Classification: Likely benign. Last evaluated: 2023-10-01. Review status: criteria provided, single submitter. Criteria: CeGaT Center For Human Genetics Tuebingen Variant Classification Criteria Version 2. Collection method: clinical testing. Allele origin: germline. Affected: yes. Observed: 3 variant alleles.
Comment: VWF: BP4, BP7

NM_000552.5(VWF):c.8094A>G (p.Glu2698=)

Gene: VWF (von Willebrand factor; minus strand). Cytogenetic location: 12p13.31.
Variant type: single nucleotide variant.
Coding change: c.8094A>G on transcript NM_000552.5 (MANE Select); coding-DNA position 8094, A replaced by G.
Protein change: p.Glu2698=; no amino-acid change (glutamic acid 2698 retained).
Molecular consequence: synonymous variant.
Genome position (GRCh38, 1-based): chr12:5,952,412, T>C on the plus strand (A>G on the coding strand, the complement: VWF is on the minus strand). VCF-style: chr12-5952412-T-C. GRCh37 (hg19) VCF-style: chr12-6061578-T-C.
Identifiers: ClinVar variation 2642601 (VCV002642601.27), dbSNP rs144030544, ClinGen allele CA6401406.